The following is an entry in ClinVar:

ClinVar aggregate classification (germline): Likely benign. Review status: criteria provided, multiple submitters, no conflicts (2 of 4 stars). 2 submissions from 2 submitters: Likely benign (2). Last evaluated 2025-10-01.

Conditions:
KMT2A-related disorder. Also called: KMT2A-related condition.

Allele frequency attached by ClinVar (database versions not stated): ExAC 0.00001; gnomAD 0.00001 and 0.00002; gnomAD exomes 0.00001; TOPMed 0.00002; ESP Exome Variant Server 0.00015.
gnomAD v4.1: 22 of 1,612,484 alleles (0.0014%); highest among the groups gnomAD compares: Non-Finnish European, 0.0018%; no homozygotes.

Submissions (2):

Labcorp Genetics (formerly Invitae), Labcorp
Classification: Likely benign. Last evaluated: 2025-10-01. Review status: criteria provided, single submitter. Criteria: Invitae Variant Classification Sherloc (09022015). Collection method: clinical testing. Allele origin: germline.

PreventionGenetics, part of Exact Sciences
Classification: Likely benign for KMT2A-related condition. Last evaluated: 2024-10-30. Review status: criteria provided, single submitter. Criteria: ACMG Guidelines, 2015. Collection method: clinical testing. Allele origin: germline.
Comment: This variant is classified as likely benign based on ACMG/AMP sequence variant interpretation guidelines (Richards et al. 2015 PMID: 25741868, with internal and published modifications).

NM_001197104.2(KMT2A):c.579A>G (p.Pro193=)

Gene: KMT2A (lysine methyltransferase 2A; plus strand). Cytogenetic location: 11q23.3.
Variant type: single nucleotide variant.
Coding change: c.579A>G on transcript NM_001197104.2 (MANE Select); coding-DNA position 579, A replaced by G.
Protein change: p.Pro193=; no amino-acid change (proline 193 retained).
Molecular consequence: synonymous variant.
Genome position (GRCh38, 1-based): chr11:118,471,738, A>G. VCF-style: chr11-118471738-A-G. GRCh37 (hg19) VCF-style: chr11-118342453-A-G.
Other names: c.579A>G, p.Pro193= (NM_005933.4); c.579A>G (NM_001197104.1).
Identifiers: ClinVar variation 1627151 (VCV001627151.10), dbSNP rs138446387, ClinGen allele CA6303320.
Genomic context (GRCh38, chr11:118,471,738, plus strand): 5'-AAAACCTCGTGGGAGACCTAGAAGTGGCTCTGACCGAAATTCAGCTATCCTCTCAGATCC[A>G]TCTGTGTTTTCCCCTCTAAATAAATCAGAGACCAAATCTGGAGATAAGATCAAGAAGAAA-3'
Protein context (NP_001184033.1, residues 183-203): SDRNSAILSD[Pro193=]SVFSPLNKSE